The following is an entry in ClinVar:

ClinVar aggregate classification (germline): Uncertain significance (1 of 4 stars; one submission).

gnomAD v4.1: 211 of 1,613,950 alleles (0.013%); highest among the groups gnomAD compares: Non-Finnish European, 0.018%; no homozygotes.

Submission:

Labcorp Genetics (formerly Invitae), Labcorp
Classification: Uncertain significance. Last evaluated: 2025-02-03. Review status: criteria provided, single submitter. Criteria: Invitae Variant Classification Sherloc (09022015). Collection method: clinical testing. Allele origin: germline.
Comment: This sequence change creates a premature translational stop signal (p.Tyr1273*) in the NIN gene. It is expected to result in an absent or disrupted protein product. However, the current clinical and genetic evidence is not sufficient to establish whether loss-of-function variants in NIN cause disease. This variant is present in population databases (rs544307842, gnomAD 0.009%). This variant has not been reported in the literature in individuals affected with NIN-related conditions. ClinVar contains an entry for this variant (Variation ID: 2172279). In summary, the available evidence is currently insufficient to determine the role of this variant in disease. Therefore, it has been classified as a Variant of Uncertain Significance.

NM_020921.4(NIN):c.3819C>A (p.Tyr1273Ter)

Gene: NIN (ninein; minus strand). Cytogenetic location: 14q22.1.
Variant type: single nucleotide variant.
Coding change: c.3819C>A on transcript NM_020921.4 (MANE Select); coding-DNA position 3819, C replaced by A.
Protein change: p.Tyr1273Ter; replaces tyrosine 1273 with a stop codon.
Molecular consequence: nonsense. On other transcripts: intron variant (1).
Genome position (GRCh38, 1-based): chr14:50,757,211, G>T on the plus strand (C>A on the coding strand, the complement: NIN is on the minus strand). VCF-style: chr14-50757211-G-T. GRCh37 (hg19) VCF-style: chr14-51223929-G-T.
Other names: c.3819C>A, p.Tyr1273Ter (NM_182944.3, NM_182946.2); c.2400-2344C>A (NM_016350.5); short protein forms Y1273*.
Identifiers: ClinVar variation 2172279 (VCV002172279.4), dbSNP rs544307842, ClinGen allele CA7181672.